The following is an entry in ClinVar:

ClinVar aggregate classification (germline): Likely benign. Review status: criteria provided, multiple submitters, no conflicts (2 of 4 stars). 2 submissions from 2 submitters: Likely benign (2). Last evaluated 2025-12-21.

Conditions:
Adams-Oliver syndrome 5 (AOS5). Identifiers: Orphanet 974, MedGen C4014970, MONDO:0014459, OMIM 616028.

Allele frequency attached by ClinVar (database versions not stated): TOPMed 0.00002; ExAC 0.00004.

Submissions (2):

Labcorp Genetics (formerly Invitae), Labcorp
Classification: Likely benign for Adams-Oliver syndrome 5. Last evaluated: 2025-12-21. Review status: criteria provided, single submitter. Criteria: Invitae Variant Classification Sherloc (09022015). Collection method: clinical testing. Allele origin: germline.

GeneDx
Classification: Likely benign. Last evaluated: 2017-01-06. Review status: criteria provided, single submitter. Criteria: GeneDx Variant Classification (06012015). Collection method: clinical testing. Allele origin: germline. Affected: yes.
Comment: This variant is considered likely benign or benign based on one or more of the following criteria: it is a conservative change, it occurs at a poorly conserved position in the protein, it is predicted to be benign by multiple in silico algorithms, and/or has population frequency not consistent with disease.

NM_017617.5(NOTCH1):c.4586+11G>C

Gene: NOTCH1 (notch receptor 1; minus strand). Cytogenetic location: 9q34.3.
Variant type: single nucleotide variant.
Coding change: c.4586+11G>C on transcript NM_017617.5 (MANE Select); 11 bases into the intron after coding-DNA position 4586, G replaced by C.
Molecular consequence: intron variant.
Genome position (GRCh38, 1-based): chr9:136,505,299, C>G on the plus strand (G>C on the coding strand, the complement: NOTCH1 is on the minus strand). VCF-style: chr9-136505299-C-G. GRCh37 (hg19) VCF-style: chr9-139399751-C-G.
Other names: c.4586+11G>C (LRG_1122t1).
Identifiers: ClinVar variation 392526 (VCV000392526.4), dbSNP rs777578180, ClinGen allele CA5340585.